The following is an entry in ClinVar:

NM_000305.3(PON2):c.902C>G (p.Ser301Ter)

Genes: ASB4 (ankyrin repeat and SOCS box containing 4; plus strand), PON2 (paraoxonase 2; minus strand), LOC107986822 (uncharacterized LOC107986822; plus strand). Cytogenetic location: 7q21.3.
Variant type: single nucleotide variant.
Coding change: c.902C>G on transcript NM_000305.3 (MANE Select); coding-DNA position 902, C replaced by G.
Protein change: p.Ser301Ter; replaces serine 301 with a stop codon.
Molecular consequence: nonsense.
Genome position (GRCh38, 1-based): chr7:95,406,123, G>C on the plus strand (C>G on the coding strand, the complement: PON2 is on the minus strand). VCF-style: chr7-95406123-G-C. GRCh37 (hg19) VCF-style: chr7-95035435-G-C.
Other names: c.866C>G, p.Ser289Ter (NM_001018161.2); short protein forms S289*, S301*.
Identifiers: ClinVar variation 3366378 (VCV003366378.1).

ClinVar aggregate classification (germline): Uncertain significance (1 of 4 stars; one submission).

gnomAD v4.1: 26 of 1,613,480 alleles (0.0016%); highest among the groups gnomAD compares: Admixed American, 0.022%; no homozygotes.

Submission:

Women's Health and Genetics/Laboratory Corporation of America, LabCorp
Classification: Uncertain significance. Last evaluated: 2024-08-08. Review status: criteria provided, single submitter. Criteria: LabCorp Variant Classification Summary - May 2015. Collection method: clinical testing. Allele origin: germline.
Comment: Variant summary: PON2 c.902C>G (p.Ser301X) results in a premature termination codon, predicted to cause a truncation of the encoded protein, and no downstream pathogenic missense/in-frame/truncating variants are reported. The variant allele was found at a frequency of 3.6e-05 in 251174 control chromosomes, predominantly at a frequency of 0.00026 within the Latino subpopulation in the gnomAD database. The available data on variant occurrences in the general population are insufficient to allow any conclusion about variant significance. To our knowledge, no occurrence of c.902C>G in individuals affected with Early Onset Coronary Artery Disease and no experimental evidence demonstrating its impact on protein function have been reported. No submitters have cited clinical-significance assessments for this variant to ClinVar. Based on the evidence outlined above, the variant was classified as uncertain significance.